The following is an entry in ClinVar:

ClinVar aggregate classification (germline): Pathogenic. Review status: criteria provided, multiple submitters, no conflicts (2 of 4 stars). 3 submissions from 3 submitters: Pathogenic (2). 1 of the submissions does not count toward it. Last evaluated 2025-11-10.

Conditions:
Gastric cancer. Also called: Stomach cancer; Malignant tumor of stomach. Identifiers: MedGen C0024623, MeSH D013274, MONDO:0001056, OMIM 613659, HP:0012126.
Hereditary breast ovarian cancer syndrome. Also called: Hereditary breast and ovarian cancer syndrome; Breast and ovarian cancer; Hereditary breast and/or ovarian cancer syndrome; Hereditary breast and ovarian cancer syndrome (HBOC); Hereditary breast and ovarian cancer; BRCA1- and BRCA2-Associated Hereditary Breast and Ovarian Cancer. Identifiers: Orphanet 145, MedGen C0677776, MeSH D061325, MONDO:0003582. Disease mechanism: loss of function.

Submissions (3):

Labcorp Genetics (formerly Invitae), Labcorp
Classification: Pathogenic for Hereditary breast ovarian cancer syndrome. Last evaluated: 2025-11-10. Review status: criteria provided, single submitter. Criteria: Invitae Variant Classification Sherloc (09022015). Collection method: clinical testing. Allele origin: germline.
Comment: This sequence change creates a premature translational stop signal (p.Gln1925Glufs*2) in the BRCA2 gene. It is expected to result in an absent or disrupted protein product. Loss-of-function variants in BRCA2 are known to be pathogenic (PMID: 20104584). This variant is not present in population databases (gnomAD no frequency). This variant has not been reported in the literature in individuals affected with BRCA2-related conditions. ClinVar contains an entry for this variant (Variation ID: 928555). For these reasons, this variant has been classified as Pathogenic.

Women's Health and Genetics/Laboratory Corporation of America, LabCorp
Classification: Pathogenic for Hereditary breast and ovarian cancer syndrome. Last evaluated: 2019-09-16. Review status: criteria provided, single submitter. Criteria: LabCorp Variant Classification Summary - May 2015. Collection method: clinical testing. Allele origin: germline.
Comment: Variant summary: BRCA2 c.5773_5774delCA (p.Gln1925GlufsX2) results in a premature termination codon, predicted to cause a truncation of the encoded protein or absence of the protein due to nonsense mediated decay, which are commonly known mechanisms for disease. Truncations downstream of this position have been classified as pathogenic by our laboratory. The variant was absent in 250688 control chromosomes. To our knowledge, no occurrence of c.5773_5774delCA in individuals affected with Hereditary Breast and Ovarian Cancer and no experimental evidence demonstrating its impact on protein function have been reported. No clinical diagnostic laboratories have submitted clinical-significance assessments for this variant to ClinVar after 2014 although two other frameshifting and nonsense variants at neighboring or overlapping nucleotides resulting in a similar truncation at Gln codon 1925 [ClinVar ID 51934, c.5774_5777del (p.Gln1925fs); ClinVar ID 51933, c.5773C>T (p.Gln1925Ter)] have been reported as expert panel approved bonafide pathogenic classifications. Based on the evidence outlined above, the variant was classified as pathogenic.

Laboratory for Genotyping Development, RIKEN
Classification: Pathogenic for Gastric cancer. Last evaluated: 2021-07-01. Review status: no assertion criteria provided. Collection method: research. Allele origin: germline. Not counted in ClinVar's aggregate classification.

Literature cited by the submitters: PubMed 20104584 (cited by Labcorp Genetics (formerly Invitae), Labcorp); PubMed 36988593 (cited by Laboratory for Genotyping Development, RIKEN).

NM_000059.4(BRCA2):c.5773_5774del (p.Gln1925fs)

Gene: BRCA2 (BRCA2 DNA repair associated; plus strand). Cytogenetic location: 13q13.1.
Variant type: Deletion.
Coding change: c.5773_5774del on transcript NM_000059.4 (MANE Select); coding-DNA positions 5773 to 5774, 2 bases deleted (CA; older notation c.5773_5774delCA).
Protein change: p.Gln1925fs; shifts the reading frame from glutamine 1925.
Molecular consequence: frameshift variant.
Genome position (GRCh38, 1-based): chr13:32,340,128-32,340,129, CA deleted. VCF-style (leftmost placement, unchanged base first): chr13-32340127-TCA-T. GRCh37 (hg19) VCF-style: chr13-32914264-TCA-T.
Other names: short protein forms Q1925fs.
Identifiers: ClinVar variation 928555 (VCV000928555.20), dbSNP rs2072538071, ClinGen allele CA1139663225.
Genomic context (GRCh38, chr13:32,340,127, plus strand): 5'-TCATAACTCTCTAGATAATGATGAATGTAGCACGCATTCACATAAGGTTTTTGCTGACAT[TCA>T]GAGTGAAGAAATTTTACAACATAACCAAAATATGTCTGGATTGGAGAAAGTTTCTAAAAT-3'